The following is an entry in ClinVar:

NM_014270.5(SLC7A9):c.604+9C>T

Gene: SLC7A9 (solute carrier family 7 member 9; minus strand). Cytogenetic location: 19q13.11.
Variant type: single nucleotide variant.
Coding change: c.604+9C>T on transcript NM_014270.5 (MANE Select); 9 bases into the intron after coding-DNA position 604, C replaced by T.
Molecular consequence: intron variant.
Genome position (GRCh38, 1-based): chr19:32,862,452, G>A on the plus strand (C>T on the coding strand, the complement: SLC7A9 is on the minus strand). VCF-style: chr19-32862452-G-A. GRCh37 (hg19) VCF-style: chr19-33353358-G-A.
Other names: c.604+9C>T (NM_001126335.2, NM_001243036.2).
Identifiers: ClinVar variation 3051851 (VCV003051851.2), dbSNP rs146699292, ClinGen allele CA9358772.

ClinVar aggregate classification (germline): Likely benign (0 of 4 stars; one submission).

Conditions:
SLC7A9-related disorder. Also called: SLC7A9-related condition.

Allele frequency attached by ClinVar (database versions not stated): gnomAD exomes 0.00002; ExAC 0.00005; TOPMed 0.00009; gnomAD 0.00010; 1000 Genomes Project 0.00080; 1000 Genomes Project 30x 0.00109.
gnomAD v4.1: 39 of 1,612,666 alleles (0.0024%); highest among the groups gnomAD compares: African/African-American, 0.035%; no homozygotes.

Submission:

PreventionGenetics, part of Exact Sciences
Classification: Likely benign for SLC7A9-related condition. Last evaluated: 2020-03-02. Review status: no assertion criteria provided. Collection method: clinical testing. Allele origin: germline.
Comment: This variant is classified as likely benign based on ACMG/AMP sequence variant interpretation guidelines (Richards et al. 2015 PMID: 25741868, with internal and published modifications).